The following is an entry in ClinVar:

NM_003628.6(PKP4):c.3134G>C (p.Ser1045Thr)

Genes: PKP4 (plakophilin 4; plus strand), PKP4-AS1 (PKP4 antisense RNA 1; minus strand). Cytogenetic location: 2q24.1.
Variant type: single nucleotide variant.
Coding change: c.3134G>C on transcript NM_003628.6 (MANE Select); coding-DNA position 3134, G replaced by C.
Protein change: p.Ser1045Thr; replaces serine 1045 with threonine.
Molecular consequence: missense variant. On other transcripts: intron variant (3).
Genome position (GRCh38, 1-based): chr2:158,676,745, G>C. VCF-style: chr2-158676745-G-C. GRCh37 (hg19) VCF-style: chr2-159533257-G-C.
Other names: c.3131G>C, p.Ser1044Thr (NM_001304969.3, NM_001377219.1, NM_001377220.1 and 1 more transcripts); c.2105G>C, p.Ser702Thr (NM_001304970.3); c.3134G>C, p.Ser1045Thr (NM_001377218.1); c.3128G>C, p.Ser1043Thr (NM_001377222.1, NM_001377223.1); c.3125G>C, p.Ser1042Thr (NM_001377224.1); c.3128-1836G>C (NM_001005476.4, NM_001377225.1); c.3125-1836G>C (NM_001377226.1); short protein forms S1042T, S1043T, S1044T, S1045T, S702T.
Identifiers: ClinVar variation 3223520 (VCV003223520.1), dbSNP rs2529908750, ClinGen allele CA348907320.

ClinVar aggregate classification (germline): Uncertain significance (1 of 4 stars; one submission).

Submission:

Ambry Genetics
Classification: Uncertain significance. Last evaluated: 2023-11-30. Review status: criteria provided, single submitter. Criteria: Ambry Variant Classification Scheme 2023. Collection method: clinical testing. Allele origin: germline.
Comment: The p.S1045T variant (also known as c.3134G>C), located in coding exon 19 of the PKP4 gene, results from a G to C substitution at nucleotide position 3134. The serine at codon 1045 is replaced by threonine, an amino acid with similar properties. This amino acid position is conserved. In addition, the in silico prediction for this alteration is inconclusive. Since supporting evidence is limited at this time, the clinical significance of this alteration remains unclear.